The following is an entry in ClinVar:

NM_001164508.2(NEB):c.10560+4A>G

Gene: NEB (nebulin; minus strand). Cytogenetic location: 2q23.3.
Variant type: single nucleotide variant.
Coding change: c.10560+4A>G on transcript NM_001164508.2 (MANE Select); 4 bases into the intron after coding-DNA position 10560, A replaced by G.
Molecular consequence: intron variant.
Genome position (GRCh38, 1-based): chr2:151,620,915, T>C on the plus strand (A>G on the coding strand, the complement: NEB is on the minus strand). VCF-style: chr2-151620915-T-C. GRCh37 (hg19) VCF-style: chr2-152477429-T-C.
Other names: c.9831+4A>G (NM_004543.5); c.10560+4A>G (NM_001164507.2, NM_001271208.2).
Identifiers: ClinVar variation 2824469 (VCV002824469.3), dbSNP rs2552233693, ClinGen allele CA2739271225.

ClinVar aggregate classification (germline): Uncertain significance (1 of 4 stars; one submission).

Conditions:
Nemaline myopathy 2 (NEM2). Also called: Nemaline myopathy 2, autosomal recessive. Identifiers: MedGen C1850569, MONDO:0009725, OMIM 256030.

Submission:

Labcorp Genetics (formerly Invitae), Labcorp
Classification: Uncertain significance for Nemaline myopathy 2. Last evaluated: 2023-09-21. Review status: criteria provided, single submitter. Criteria: Invitae Variant Classification Sherloc (09022015). Collection method: clinical testing. Allele origin: germline.
Comment: This variant has not been reported in the literature in individuals affected with NEB-related conditions. This variant is not present in population databases (gnomAD no frequency). This sequence change falls in intron 72 of the NEB gene. It does not directly change the encoded amino acid sequence of the NEB protein. It affects a nucleotide within the consensus splice site. Variants that disrupt the consensus splice site are a relatively common cause of aberrant splicing (PMID: 17576681, 9536098). Algorithms developed to predict the effect of sequence changes on RNA splicing suggest that this variant may disrupt the consensus splice site. In summary, the available evidence is currently insufficient to determine the role of this variant in disease. Therefore, it has been classified as a Variant of Uncertain Significance.

Literature cited by the submitters: PubMed 17576681; PubMed 9536098.